The following is an entry in ClinVar:

NM_001378414.1(HDAC4):c.2621A>G (p.Asn874Ser)

Gene: HDAC4 (histone deacetylase 4; minus strand). Cytogenetic location: 2q37.3.
Variant type: single nucleotide variant.
Coding change: c.2621A>G on transcript NM_001378414.1 (MANE Select); coding-DNA position 2621, A replaced by G.
Protein change: p.Asn874Ser; replaces asparagine 874 with serine.
Molecular consequence: missense variant.
Genome position (GRCh38, 1-based): chr2:239,082,133, T>C on the plus strand (A>G on the coding strand, the complement: HDAC4 is on the minus strand). VCF-style: chr2-239082133-T-C. GRCh37 (hg19) VCF-style: chr2-240003829-T-C.
Other names: c.2621A>G, p.Asn874Ser (NM_001378415.1); c.2606A>G, p.Asn869Ser (NM_001378416.1, NM_001378417.1, NM_006037.4); short protein forms N869S, N874S.
Identifiers: ClinVar variation 2662685 (VCV002662685.1), dbSNP rs2470621398, ClinGen allele CA351260868.

ClinVar aggregate classification (germline): Uncertain significance (1 of 4 stars; one submission).

gnomAD v4.1: 2 of 1,613,914 alleles (0.00012%); highest among the groups gnomAD compares: Non-Finnish European, 0.00017%; no homozygotes.

Submission:

GeneDx
Classification: Uncertain significance. Last evaluated: 2023-04-13. Review status: criteria provided, single submitter. Criteria: GeneDx Variant Classification Process June 2021. Collection method: clinical testing. Allele origin: germline. Affected: yes.
Comment: Not observed at significant frequency in large population cohorts (gnomAD); In silico analysis supports that this missense variant has a deleterious effect on protein structure/function; Has not been previously published as pathogenic or benign to our knowledge